The following is an entry in ClinVar:

ClinVar aggregate classification (germline): Uncertain significance (1 of 4 stars; one submission).

Conditions:
Cortical dysplasia, complex, with other brain malformations 13. Also called: Intellectual disability, autosomal dominant 13. Identifiers: MedGen C3281202, MONDO:0013805, OMIM 614563.
Autosomal dominant childhood-onset proximal spinal muscular atrophy without contractures. Also called: SPINAL MUSCULAR ATROPHY, CHILDHOOD, PROXIMAL, AUTOSOMAL DOMINANT; SPINAL MUSCULAR ATROPHY, JUVENILE, PROXIMAL, AUTOSOMAL DOMINANT; KUGELBERG-WELANDER SYNDROME, AUTOSOMAL DOMINANT; Spinal muscular atrophy, lower extremity-predominant 1, AD. Identifiers: Orphanet 209341, Orphanet 363447, MedGen C5780022, MONDO:0008026, OMIM 158600.
Charcot-Marie-Tooth disease axonal type 2O. Also called: CHARCOT-MARIE-TOOTH NEUROPATHY, AXONAL, TYPE 2O; CHARCOT-MARIE-TOOTH DISEASE, AXONAL, AUTOSOMAL DOMINANT, TYPE 2O; Charcot-Marie-Tooth Neuropathy Type 2O; Charcot-Marie-Tooth disease, axonal, type 20. Identifiers: Orphanet 284232, MedGen C3280220, MONDO:0013644, OMIM 614228.

Submission:

Juno Genomics, Hangzhou Juno Genomics, Inc
Classification: Uncertain significance for Cortical dysplasia, complex, with other brain malformations 13; Charcot-Marie-Tooth disease axonal type 2O; Autosomal dominant childhood-onset proximal spinal muscular atrophy without contractures. Review status: criteria provided, single submitter. Criteria: ACMG Guidelines, 2015. Collection method: clinical testing. Allele origin: germline.
Comment: Missense variant in a gene that has a low rate of benign missense variation.;Multiple lines of computational evidence support a deleterious effect on the gene or gene product.;Absent from controls (or at extremely low frequency if recessive) in Genome Aggregation Database.

NM_001376.5(DYNC1H1):c.3699G>C (p.Gln1233His)

Gene: DYNC1H1 (dynein cytoplasmic 1 heavy chain 1; plus strand). Cytogenetic location: 14q32.31.
Variant type: single nucleotide variant.
Coding change: c.3699G>C on transcript NM_001376.5 (MANE Select); coding-DNA position 3699, G replaced by C.
Protein change: p.Gln1233His; replaces glutamine 1233 with histidine.
Molecular consequence: missense variant.
Genome position (GRCh38, 1-based): chr14:101,997,169, G>C. VCF-style: chr14-101997169-G-C. GRCh37 (hg19) VCF-style: chr14-102463506-G-C.
Other names: short protein forms Q1233H.
Identifiers: ClinVar variation 5005278 (VCV005005278.2).
Genomic context (GRCh38, chr14:101,997,169, plus strand): 5'-CATCGAGGGAGAGTGGGGAGCCTTCAATGACATCATGCGGCGAAAGGACTCTGCCATTCA[G>C]CAGCAGGTGGCAAACCTGCAAATGAAGATTGTCCAGGAGGATCGGGCCGTGGAAAGCCGC-3'
Protein context (NP_001367.2, residues 1223-1243): DIMRRKDSAI[Gln1233His]QQVANLQMKI